The following is an entry in ClinVar:

ClinVar aggregate classification (germline): Likely pathogenic (1 of 4 stars; one submission).

Conditions:
Nemaline myopathy 2 (NEM2). Also called: Nemaline myopathy 2, autosomal recessive. Identifiers: MedGen C1850569, MONDO:0009725, OMIM 256030.

Submission:

Labcorp Genetics (formerly Invitae), Labcorp
Classification: Likely pathogenic for Nemaline myopathy 2. Last evaluated: 2022-08-16. Review status: criteria provided, single submitter. Criteria: Invitae Variant Classification Sherloc (09022015). Collection method: clinical testing. Allele origin: germline.
Comment: In summary, the currently available evidence indicates that the variant is pathogenic, but additional data are needed to prove that conclusively. Therefore, this variant has been classified as Likely Pathogenic. Algorithms developed to predict the effect of sequence changes on RNA splicing suggest that this variant may disrupt the consensus splice site. ClinVar contains an entry for this variant (Variation ID: 1467863). This variant has not been reported in the literature in individuals affected with NEB-related conditions. This variant is not present in population databases (gnomAD no frequency). This sequence change affects a donor splice site in intron 41 of the NEB gene. It is expected to disrupt RNA splicing. Variants that disrupt the donor or acceptor splice site typically lead to a loss of protein function (PMID: 16199547), and loss-of-function variants in NEB are known to be pathogenic (PMID: 25205138).

Literature cited by the submitters: PubMed 16199547; PubMed 25205138.

NM_001164508.2(NEB):c.5031+2T>C

Gene: NEB (nebulin; minus strand). Cytogenetic location: 2q23.3.
Variant type: single nucleotide variant.
Coding change: c.5031+2T>C on transcript NM_001164508.2 (MANE Select); the canonical splice donor site of the intron after coding-DNA position 5031, T replaced by C.
Molecular consequence: splice donor variant.
Genome position (GRCh38, 1-based): chr2:151,666,088, A>G on the plus strand (T>C on the coding strand, the complement: NEB is on the minus strand). VCF-style: chr2-151666088-A-G. GRCh37 (hg19) VCF-style: chr2-152522602-A-G.
Other names: c.5031+2T>C (NM_004543.5, NM_001164507.2, NM_001271208.2).
Identifiers: ClinVar variation 1467863 (VCV001467863.8), dbSNP rs2154178700, ClinGen allele CA348812884.